The following is an entry in ClinVar:

ClinVar aggregate classification (germline): Benign/Likely benign. Review status: criteria provided, multiple submitters, no conflicts (2 of 4 stars). 3 submissions from 3 submitters: Benign (2); Likely benign (1). Last evaluated 2026-09-01.

Allele frequency attached by ClinVar (database versions not stated): 1000 Genomes Project 30x 0.00312; gnomAD 0.00338 and 0.00349; 1000 Genomes Project 0.00339; ExAC 0.00389; TOPMed 0.00394; ESP Exome Variant Server 0.00415; gnomAD exomes 0.00442 and 0.00497.
gnomAD v4.1: 7,849 of 1,613,130 alleles (0.49%); highest among the groups gnomAD compares: Middle Eastern, 0.79%; 51 homozygotes.

Submissions (3):

CeGaT Center for Human Genetics Tuebingen
Classification: Likely benign. Last evaluated: 2026-09-01. Review status: criteria provided, single submitter. Criteria: CeGaT Center For Human Genetics Tuebingen Variant Classification Criteria Version 2. Collection method: clinical testing. Allele origin: germline. Affected: yes. Observed: 3 variant alleles.
Comment: CFAP43: BP4, BS2

Labcorp Genetics (formerly Invitae), Labcorp
Classification: Benign. Last evaluated: 2019-12-31. Review status: criteria provided, single submitter. Criteria: Invitae Variant Classification Sherloc (09022015). Collection method: clinical testing. Allele origin: germline.

Breakthrough Genomics
Classification: Benign. Review status: criteria provided, single submitter. Criteria: ACMG Guidelines, 2015. Collection method: not provided. Allele origin: germline. Inheritance: Autosomal recessive inheritance. Affected: yes.

NM_025145.7(CFAP43):c.589G>A (p.Val197Met)

Gene: CFAP43 (cilia and flagella associated protein 43; minus strand). Cytogenetic location: 10q25.1.
Variant type: single nucleotide variant.
Coding change: c.589G>A on transcript NM_025145.7 (MANE Select); coding-DNA position 589, G replaced by A.
Protein change: p.Val197Met; replaces valine 197 with methionine.
Molecular consequence: missense variant.
Genome position (GRCh38, 1-based): chr10:104,212,153, C>T on the plus strand (G>A on the coding strand, the complement: CFAP43 is on the minus strand). VCF-style: chr10-104212153-C-T. GRCh37 (hg19) VCF-style: chr10-105971911-C-T.
Other names: short protein forms V197M.
Identifiers: ClinVar variation 731565 (VCV000731565.11), dbSNP rs117768807, ClinGen allele CA5681179.